The following is an entry in ClinVar:

NM_001371928.1(AHDC1):c.2551G>A (p.Asp851Asn)

Gene: AHDC1 (AT-hook DNA binding motif containing 1; minus strand). Cytogenetic location: 1p36.11.
Variant type: single nucleotide variant.
Coding change: c.2551G>A on transcript NM_001371928.1 (MANE Select); coding-DNA position 2551, G replaced by A.
Protein change: p.Asp851Asn; replaces aspartic acid 851 with asparagine.
Molecular consequence: missense variant.
Genome position (GRCh38, 1-based): chr1:27,549,565, C>T on the plus strand (G>A on the coding strand, the complement: AHDC1 is on the minus strand). VCF-style: chr1-27549565-C-T. GRCh37 (hg19) VCF-style: chr1-27876076-C-T.
Other names: c.2551G>A, p.Asp851Asn (NM_001029882.3); short protein forms D851N.
Identifiers: ClinVar variation 2964560 (VCV002964560.3), dbSNP rs748106770, ClinGen allele CA715745.
Genomic context (GRCh38, chr1:27,549,565, plus strand): 5'-AGGTGCCCGATGCCTTCCGGGACTCTGGGCGAGAGGCTGAGAGGGCAAAGTCCAAGAGAT[C>T]GGAGGAGTCATCCGAATCGAGCAGCGAGCGAAAGTAGCCGGTGAAGAGGTTTTGGCGCTC-3'
Protein context (NP_001358857.1, residues 841-861): RSLLDSDDSS[Asp851Asn]LLDFALSASR

ClinVar aggregate classification (germline): Uncertain significance (1 of 4 stars; one submission).

Allele frequency attached by ClinVar (database versions not stated): ExAC 0.00001; gnomAD exomes 0.00001.
gnomAD v4.1: 9 of 1,613,194 alleles (0.00056%); highest among the groups gnomAD compares: Admixed American, 0.0017%; no homozygotes.

Submission:

Labcorp Genetics (formerly Invitae), Labcorp
Classification: Uncertain significance. Last evaluated: 2024-05-30. Review status: criteria provided, single submitter. Criteria: Invitae Variant Classification Sherloc (09022015). Collection method: clinical testing. Allele origin: germline.
Comment: This sequence change replaces aspartic acid, which is acidic and polar, with asparagine, which is neutral and polar, at codon 851 of the AHDC1 protein (p.Asp851Asn). This variant is present in population databases (rs748106770, gnomAD 0.006%). This variant has not been reported in the literature in individuals affected with AHDC1-related conditions. An algorithm developed to predict the effect of missense changes on protein structure and function (PolyPhen-2) suggests that this variant is likely to be disruptive. In summary, the available evidence is currently insufficient to determine the role of this variant in disease. Therefore, it has been classified as a Variant of Uncertain Significance.